The following is an entry in ClinVar:

ClinVar aggregate classification (germline): Likely benign. Review status: criteria provided, single submitter (1 of 4 stars). 2 submissions from 2 submitters: Likely benign (1). 1 of the submissions does not count toward it. Last evaluated 2025-07-31.

Conditions:
PCNT-related disorder. Also called: PCNT-related condition.

Allele frequency attached by ClinVar (database versions not stated): gnomAD exomes 0.00003; ExAC 0.00008; gnomAD 0.00019; ESP Exome Variant Server 0.00031; TOPMed 0.00031.
gnomAD v4.1: 82 of 1,614,164 alleles (0.0051%); highest among the groups gnomAD compares: African/African-American, 0.081%; no homozygotes.

Submissions (2):

Labcorp Genetics (formerly Invitae), Labcorp
Classification: Likely benign. Last evaluated: 2025-07-31. Review status: criteria provided, single submitter. Criteria: Invitae Variant Classification Sherloc (09022015). Collection method: clinical testing. Allele origin: germline.

PreventionGenetics, part of Exact Sciences
Classification: Likely benign for PCNT-related condition. Last evaluated: 2021-07-19. Review status: no assertion criteria provided. Collection method: clinical testing. Allele origin: germline. Not counted in ClinVar's aggregate classification.
Comment: This variant is classified as likely benign based on ACMG/AMP sequence variant interpretation guidelines (Richards et al. 2015 PMID: 25741868, with internal and published modifications).

NM_006031.6(PCNT):c.636A>G (p.Thr212=)

Gene: PCNT (pericentrin; plus strand). Cytogenetic location: 21q22.3.
Variant type: single nucleotide variant.
Coding change: c.636A>G on transcript NM_006031.6 (MANE Select); coding-DNA position 636, A replaced by G.
Protein change: p.Thr212=; no amino-acid change (threonine 212 retained).
Molecular consequence: synonymous variant.
Genome position (GRCh38, 1-based): chr21:46,334,765, A>G. VCF-style: chr21-46334765-A-G. GRCh37 (hg19) VCF-style: chr21-47754679-A-G.
Other names: c.636A>G (NM_006031.5); c.282A>G, p.Thr94= (NM_001315529.2).
Identifiers: ClinVar variation 2152130 (VCV002152130.6), dbSNP rs146348220, ClinGen allele CA10078318.
Genomic context (GRCh38, chr21:46,334,765, plus strand): 5'-AGAACAGCGTGGGATCTTCACAATCAGTGACCACCCAGCAGAACAGCGTGGGATGTTCAC[A>G]AAGGTATTCTTTAAGTTCTCTGTTAAGGTGTATTCTTTGTCAAAAGATTTCTTTATGTTG-3'
Protein context (NP_006022.3, residues 202-222): DHPAEQRGMF[Thr212=]KECEQECELA